The following is an entry in ClinVar:

ClinVar aggregate classification (germline): Conflicting classifications of pathogenicity. Review status: criteria provided, conflicting classifications (1 of 4 stars). 6 submissions from 6 submitters: Likely pathogenic (2); Uncertain significance (4). Last evaluated 2025-11-25.

Conditions:
SPG11-related disorder. Also called: SPG11-related condition.
Inborn genetic diseases. Identifiers: MedGen C0950123, MeSH D030342.
Hereditary spastic paraplegia. Also called: Familial spastic paraparesis. Identifiers: Orphanet 685, MedGen C0037773, MONDO:0019064. Disease mechanism: loss of function.
Hereditary spastic paraplegia 11. Also called: Spastic Paraplegia 11; SPASTIC PARAPLEGIA, AUTOSOMAL RECESSIVE, COMPLICATED, WITH THIN CORPUS CALLOSUM; SPASTIC PARAPLEGIA, AUTOSOMAL RECESSIVE, WITH MENTAL IMPAIRMENT AND THIN CORPUS CALLOSUM; Spastic paraplegia, mental retardation and thin corpus callosum; Nakamura Osame syndrome; Autosomal recessive hereditary spastic paraplegia, mental impairment, and thin corpus callosum. Identifiers: Orphanet 2822, MedGen C1858479, MONDO:0011445, OMIM 604360.

Allele frequency attached by ClinVar (database versions not stated): gnomAD exomes below 0.00001 and 0.00001; ExAC 0.00002; gnomAD 0.00003; TOPMed 0.00010; 1000 Genomes Project 30x 0.00016; 1000 Genomes Project 0.00020.
gnomAD v4.1: 9 of 1,613,498 alleles (0.00056%); highest among the groups gnomAD compares: Admixed American, 0.01%; no homozygotes.

Submissions (6):

PreventionGenetics, part of Exact Sciences
Classification: Uncertain significance for SPG11-related condition. Last evaluated: 2025-11-25. Review status: criteria provided, single submitter. Criteria: ACMG Guidelines, 2015. Collection method: clinical testing. Allele origin: germline.
Comment: The SPG11 c.3292-1G>T variant is predicted to disrupt the AG splice acceptor site and interfere with normal splicing. However, there is an alternate AG dinucleotide 9 nucleotides downstream within the exon and if used would result in an in-frame deletion of three amino acids. Therefore, the biological impact of this variant is uncertain. To our knowledge, this variant has not been reported in the literature. This variant is reported in 0.0085% of alleles in individuals of Latino descent in gnomAD. Although we suspect that this variant may be pathogenic, at this time, the clinical significance of this variant is uncertain due to the absence of conclusive functional and genetic evidence.

Labcorp Genetics (formerly Invitae), Labcorp
Classification: Likely pathogenic for Hereditary spastic paraplegia 11. Last evaluated: 2025-10-19. Review status: criteria provided, single submitter. Criteria: Invitae Variant Classification Sherloc (09022015). Collection method: clinical testing. Allele origin: germline.
Comment: This sequence change affects an acceptor splice site in intron 18 of the SPG11 gene. It is expected to disrupt RNA splicing. Variants that disrupt the donor or acceptor splice site typically lead to a loss of protein function (PMID: 16199547), and loss-of-function variants in SPG11 are known to be pathogenic (PMID: 19105190, 20110243, 22154821, 26556829). The frequency data for this variant in the population databases is considered unreliable, as metrics indicate poor data quality at this position in the gnomAD database. This variant has not been reported in the literature in individuals affected with SPG11-related conditions. ClinVar contains an entry for this variant (Variation ID: 429469). Algorithms developed to predict the effect of sequence changes on RNA splicing suggest that this variant may disrupt the consensus splice site. In summary, the currently available evidence indicates that the variant is pathogenic, but additional data are needed to prove that conclusively. Therefore, this variant has been classified as Likely Pathogenic.

Women's Health and Genetics/Laboratory Corporation of America, LabCorp
Classification: Likely pathogenic for Hereditary spastic paraplegia. Last evaluated: 2023-12-11. Review status: criteria provided, single submitter. Criteria: LabCorp Variant Classification Summary - May 2015. Collection method: clinical testing. Allele origin: germline.
Comment: Variant summary: SPG11 c.3292-1G>T is located in a canonical splice-site and is predicted to affect mRNA splicing resulting in a significantly altered protein due to either exon skipping, shortening, or inclusion of intronic material. Several computational tools predict a significant impact on normal splicing: Four predict the variant abolishes a 3' acceptor site. Three predict the variant creates a 3' acceptor site. However, these predictions have yet to be confirmed by functional studies. The variant allele was found at a frequency of 8e-06 in 250592 control chromosomes. To our knowledge, no occurrence of c.3292-1G>T in individuals affected with Hereditary Spastic Paraplegia, Type 11 and no experimental evidence demonstrating its impact on protein function have been reported. Three submitters have cited clinical-significance assessments for this variant to ClinVar after 2014 and classified as likely pathogenic (n=1) and VUS (n=2). Based on the evidence outlined above, the variant was classified as likely pathogenic.

Blueprint Genetics
Classification: Uncertain significance. Last evaluated: 2022-10-25. Review status: criteria provided, single submitter. Criteria: ACMG Guidelines, 2015. Collection method: clinical testing. Allele origin: germline.

Ambry Genetics
Classification: Uncertain significance for Inborn genetic diseases. Last evaluated: 2020-07-27. Review status: criteria provided, single submitter. Criteria: Ambry Variant Classification Scheme 2023. Collection method: clinical testing. Allele origin: germline.
Comment: The c.3292-1G>T intronic variant results from a G to T substitution one nucleotide upstream from coding exon 19 of the SPG11 gene. This variant was detected in the heterozygous state in an individual with atherosclerosis; clinical details were limited (Johnston JJ et al. Am. J. Hum. Genet., 2015 Jun;96:913-25). Alterations that disrupt the canonical splice site are expected to cause aberrant splicing, resulting in an abnormal protein or a transcript that is subject to nonsense-mediated mRNA decay. However, the predicted consequence of this alteration is a small in-frame deletion in coding exon 19 with unknown functional impact. This nucleotide position is highly conserved in available vertebrate species. In silico splice site analysis predicts that this alteration will weaken the native splice acceptor site and will result in the creation or strengthening of a novel splice acceptor site. Since supporting evidence is limited at this time, the clinical significance of this alteration remains unclear.

GeneDx
Classification: Uncertain significance. Last evaluated: 2017-05-09. Review status: criteria provided, single submitter. Criteria: GeneDx Variant Classification (06012015). Collection method: clinical testing. Allele origin: germline. Affected: yes.
Comment: The c.3292-1G>T variant in the SPG11 gene has been reported previously in the heterozygous state in an analysis of loss of function variants present in a cohort of 951 individuals with atherosclerosis, however, familial segregation information, in vitro functional studies, and clinical information were not provided (Johnston et al., 2015). This splice site variant destroys the canonical splice acceptor site in intron 18. It is predicted to cause abnormal gene splicing, resulting in an in-frame protein product with an abnormal message. However, in the absence of RNA/functional studies, the actual effect of c.3292-1G>T in this individual is unknown. The c.3292-1G>T variant is not observed at a significant frequency in large population cohorts (Lek et al., 2016; 1000 Genomes Consortium et al., 2015; Exome Variant Server). We interpret c.3292-1G>T as a variant of uncertain significance.

Literature cited by the submitters: PubMed 16199547 (cited by Labcorp Genetics (formerly Invitae), Labcorp); PubMed 19105190 (cited by Labcorp Genetics (formerly Invitae), Labcorp); PubMed 20110243 (cited by Labcorp Genetics (formerly Invitae), Labcorp); PubMed 22154821 (cited by Labcorp Genetics (formerly Invitae), Labcorp); PubMed 26556829 (cited by Labcorp Genetics (formerly Invitae), Labcorp); PubMed 26046366 (cited by Ambry Genetics).

NM_025137.4(SPG11):c.3292-1G>T

Gene: SPG11 (SPG11 vesicle trafficking associated, spatacsin; minus strand). Cytogenetic location: 15q21.1.
Variant type: single nucleotide variant.
Coding change: c.3292-1G>T on transcript NM_025137.4 (MANE Select); the canonical splice acceptor site of the intron before coding-DNA position 3292, G replaced by T.
Molecular consequence: splice acceptor variant.
Genome position (GRCh38, 1-based): chr15:44,608,606, C>A on the plus strand (G>T on the coding strand, the complement: SPG11 is on the minus strand). VCF-style: chr15-44608606-C-A. GRCh37 (hg19) VCF-style: chr15-44900804-C-A.
Other names: c.3292-1G>T (NM_001411132.1, NM_001160227.2).
Identifiers: ClinVar variation 429469 (VCV000429469.14), dbSNP rs201217015, ClinGen allele CA7535005.